The following is an entry in ClinVar:

ClinVar aggregate classification (germline): Likely benign. Review status: criteria provided, single submitter (1 of 4 stars). 2 submissions from 2 submitters: Likely benign (1). 1 of the submissions does not count toward it. Last evaluated 2025-11-01.

Conditions:
HYOU1-related disorder. Also called: HYOU1-related condition.

Allele frequency attached by ClinVar (database versions not stated): gnomAD 0.00001 and 0.00002; TOPMed 0.00004; 1000 Genomes Project 30x 0.00016.
gnomAD v4.1: 215 of 1,614,108 alleles (0.013%); highest among the groups gnomAD compares: Non-Finnish European, 0.018%; no homozygotes.

Submissions (2):

Labcorp Genetics (formerly Invitae), Labcorp
Classification: Likely benign. Last evaluated: 2025-11-01. Review status: criteria provided, single submitter. Criteria: Invitae Variant Classification Sherloc (09022015). Collection method: clinical testing. Allele origin: germline.

PreventionGenetics, part of Exact Sciences
Classification: Likely benign for HYOU1-related condition. Last evaluated: 2019-10-02. Review status: no assertion criteria provided. Collection method: clinical testing. Allele origin: germline. Not counted in ClinVar's aggregate classification.
Comment: This variant is classified as likely benign based on ACMG/AMP sequence variant interpretation guidelines (Richards et al. 2015 PMID: 25741868, with internal and published modifications).

NM_006389.5(HYOU1):c.988-10C>T

Gene: HYOU1 (hypoxia up-regulated 1; minus strand). Cytogenetic location: 11q23.3.
Variant type: single nucleotide variant.
Coding change: c.988-10C>T on transcript NM_006389.5 (MANE Select); 10 bases into the intron before coding-DNA position 988, C replaced by T.
Molecular consequence: intron variant.
Genome position (GRCh38, 1-based): chr11:119,052,439, G>A on the plus strand (C>T on the coding strand, the complement: HYOU1 is on the minus strand). VCF-style: chr11-119052439-G-A. GRCh37 (hg19) VCF-style: chr11-118923151-G-A.
Other names: c.988-10C>T (NM_001130991.3, NM_006389.4).
Identifiers: ClinVar variation 1609269 (VCV001609269.10), dbSNP rs200844430, ClinGen allele CA229623224.
Genomic context (GRCh38, chr11:119,052,439, plus strand): 5'-CACACGAGTCACTTTTGCCTTGAAGTCCACATCATCCATCAGGCCTTCAATCTGGGAGAG[G>A]ATGGGGACTGTCAGGGGGTTCTTGCCCAGCTCCCGCTCTCTTGGTGAGTAGGACAGAAAC-3'